The following is an entry in ClinVar:

ClinVar aggregate classification (germline): Pathogenic (1 of 4 stars; one submission).

Conditions:
Cystic fibrosis (CF). Also called: MUCOVISCIDOSIS. Identifiers: Orphanet 586, MedGen C0010674, MONDO:0009061, OMIM 219700. Disease mechanism: loss of function.

Submission:

Labcorp Genetics (formerly Invitae), Labcorp
Classification: Pathogenic for Cystic fibrosis. Last evaluated: 2022-10-01. Review status: criteria provided, single submitter. Criteria: Invitae Variant Classification Sherloc (09022015). Collection method: clinical testing. Allele origin: germline.
Comment: This variant is a gross deletion of the genomic region encompassing exon(s) 19-21 of the CFTR gene. This variant would be expected to be in-frame, preserving the integrity of the reading frame. A similar copy number variant has been observed in individual(s) with CFTR-related disease (PMID: 15025720, 16362824, 28603918). In at least one individual the data is consistent with being in trans (on the opposite chromosome) from a pathogenic variant. Experimental studies and prediction algorithms are not available or were not evaluated, and the functional significance of this variant is currently unknown. This variant disrupts the p.Arg1066 amino acid residue in CFTR. Other variant(s) that disrupt this residue have been determined to be pathogenic (PMID: 10923036, 11883825, 15084222, 17331079, 21520337, 23302613, 23974870). This suggests that this residue is clinically significant, and that variants that disrupt this residue are likely to be disease-causing. For these reasons, this variant has been classified as Pathogenic.

Literature cited by the submitters: PubMed 15025720; PubMed 16362824; PubMed 28603918; PubMed 10923036; PubMed 11883825; PubMed 15084222; PubMed 17331079; PubMed 21520337; PubMed 23302613; PubMed 23974870.

NC_000007.14:g.(?_117610509)_(117614723_?)del

Genes: CFTR-AS2 (CFTR antisense RNA 2; minus strand), CFTR (CF transmembrane conductance regulator; plus strand), LOC111674472 (DNase I hypersensitive sites in introns 16 and 17a of CFTR; plus strand). Cytogenetic location: 7q31.2.
Variant type: Deletion.
Identifiers: ClinVar variation 658988 (VCV000658988.8).